The following is an entry in ClinVar:

ClinVar aggregate classification (germline): Pathogenic. Review status: criteria provided, multiple submitters, no conflicts (2 of 4 stars). 4 submissions from 4 submitters: Pathogenic (3). 1 of the submissions does not count toward it. Last evaluated 2025-12-20.

Conditions:
RASopathy. Also called: rasopathies; Noonan spectrum disorder. Identifiers: Orphanet 536391, MedGen C5555857, MONDO:0021060.
Cardio-facio-cutaneous syndrome. Also called: Cardiofaciocutaneous syndrome; CFC syndrome. Identifiers: Orphanet 1340, MedGen C1275081, MONDO:0015280. Disease mechanism: gain of function.
Noonan syndrome (NS). Also called: Noonan's syndrome. Identifiers: Orphanet 648, MedGen C0028326, MeSH D009634, MONDO:0018997. Disease mechanism: gain of function.
Cardiofaciocutaneous syndrome 1 (CFC1). Also called: BRAF-Related Cardiofaciocutaneous Syndrome. Identifiers: Orphanet 1340, MedGen CN029449, MONDO:0007265, OMIM 115150. Disease mechanism: gain of function.

Submissions (4):

Labcorp Genetics (formerly Invitae), Labcorp
Classification: Pathogenic for RASopathy. Last evaluated: 2025-12-20. Review status: criteria provided, single submitter. Criteria: Invitae Variant Classification Sherloc (09022015). Collection method: clinical testing. Allele origin: germline.
Comment: This sequence change replaces lysine, which is basic and polar, with threonine, which is neutral and polar, at codon 601 of the BRAF protein (p.Lys601Thr). This variant is not present in population databases (gnomAD no frequency). This missense change has been observed in individuals with clinical features of BRAF-related conditions (PMID: 22495831, 28832562, 29453417). ClinVar contains an entry for this variant (Variation ID: 44818). Invitae Evidence Modeling incorporating data from in vitro experimental studies (internal data) indicates that this missense variant is expected to disrupt BRAF function with a positive predictive value of 95%. This variant disrupts the p.Lys601 amino acid residue in BRAF. Other variant(s) that disrupt this residue have been determined to be pathogenic (PMID: 19206169). This suggests that this residue is clinically significant, and that variants that disrupt this residue are likely to be disease-causing. For these reasons, this variant has been classified as Pathogenic.

Dasa
Classification: Pathogenic. Last evaluated: 2025-09-01. Review status: criteria provided, single submitter. Criteria: DASA Assertion Criteria. Collection method: clinical testing. Allele origin: germline.
Comment: NM_004333.6(BRAF):c.1802A>C (p.Lys601Thr) is a missense variant that results in the substitution of lysine with threonine. The affected residue or protein region has prior evidence supporting clinical relevance. This variant has been recurrently observed in individuals with BRAF-related disorders (PMID: 29453417; PMID: 28832562; PMID: 22495831). This variant has been reported as a de novo occurrence in an affected individual (PMID: 29453417). Also, this variant is absent from population databases. Computational evidence supports a deleterious effect. Based on the currently available evidence, this variant is classified as pathogenic.

GeneDx
Classification: Pathogenic. Last evaluated: 2025-05-06. Review status: criteria provided, single submitter. Criteria: GeneDx Variant Classification Process June 2021. Collection method: clinical testing. Allele origin: germline. Affected: yes.
Comment: Identified in a patient with cardio-facio-cutaneous syndrome in the published literature, however detailed clinical information was not provided (PMID: 22495831); Not observed at significant frequency in large population cohorts (gnomAD); Missense variants in this gene are a common cause of disease and they are underrepresented in the general population; In silico analysis supports that this missense variant has a deleterious effect on protein structure/function; This variant is associated with the following publications: (PMID: 29493581, 15488754, 15520807, 16439621, 17603483, 24957944, 28832562, 22495831, 35606495, 29453417)

Laboratory for Molecular Medicine, Mass General Brigham Personalized Medicine
Classification: Pathogenic for Noonan syndrome; Cardio-facio-cutaneous syndrome. Last evaluated: 2014-07-16. Review status: no assertion criteria provided. Collection method: clinical testing. Allele origin: germline. Inheritance: Autosomal dominant inheritance. Observed: 4 variant alleles. Not counted in ClinVar's aggregate classification.
Comment: The Lys601Thr variant in BRAF has been reported in four individuals with clinica l features of Noonan syndrome and Cardio-facio-cutaneous (CFC) syndrome (Abe 201 2, LMM unpublished data). This variant was absent from large population studies. Different amino acid changes at this location ha ve been identified in affected individuals; the Lys601Gln was identified as a de novo variant in two individuals with clinical features of CFC syndrome (Sarkozy 2009) and the Lys601Ile variant was identified in one individual with clinical features of CFC syndrome (Lepri 2014), suggesting that changes at this position are not tolerated. Additionally, computational prediction tools and evolutionary conservation analysis suggest that the Lys601Thr variant may impact the protein . In summary, the Lys601Thr variant meets our criteria to be classified as patho genic.

Literature cited by the submitters: PubMed 22495831 (cited by 3 submitters); PubMed 28832562 (cited by Labcorp Genetics (formerly Invitae), Labcorp and Dasa); PubMed 29453417 (cited by Labcorp Genetics (formerly Invitae), Labcorp and Dasa); PubMed 19206169 (cited by Labcorp Genetics (formerly Invitae), Labcorp and Laboratory for Molecular Medicine, Mass General Brigham Personalized Medicine); PubMed 24451042 (cited by Laboratory for Molecular Medicine, Mass General Brigham Personalized Medicine).

NM_004333.6(BRAF):c.1802A>C (p.Lys601Thr)

Gene: BRAF (B-Raf proto-oncogene, serine/threonine kinase; minus strand). Cytogenetic location: 7q34.
Variant type: single nucleotide variant.
Coding change: c.1802A>C on transcript NM_004333.6 (MANE Select); coding-DNA position 1802, A replaced by C.
Protein change: p.Lys601Thr; replaces lysine 601 with threonine.
Molecular consequence: missense variant.
Genome position (GRCh38, 1-based): chr7:140,753,333, T>G on the plus strand (A>C on the coding strand, the complement: BRAF is on the minus strand). VCF-style: chr7-140753333-T-G. GRCh37 (hg19) VCF-style: chr7-140453133-T-G.
Other names: c.1802A>C, p.Lys601Thr (NM_001354609.2, NM_001378468.1, NM_001378474.1); c.1922A>C, p.Lys641Thr (NM_001374244.1, NM_001374258.1); c.1811A>C, p.Lys604Thr (NM_001378467.1); c.1736A>C, p.Lys579Thr (NM_001378469.1); c.1700A>C, p.Lys567Thr (NM_001378470.1); c.1691A>C, p.Lys564Thr (NM_001378471.1); c.1646A>C, p.Lys549Thr (NM_001378472.1, NM_001378473.1); c.1538A>C, p.Lys513Thr (NM_001378475.1); short protein forms K601T, K564T, K567T, K579T, K604T, K641T, K513T, K549T.
Identifiers: ClinVar variation 44818 (VCV000044818.13), dbSNP rs397507484, ClinGen allele CA261660.